The following is an entry in ClinVar:

NM_014795.4(ZEB2):c.304A>T (p.Ile102Phe)

Gene: ZEB2 (zinc finger E-box binding homeobox 2; minus strand). Cytogenetic location: 2q22.3.
Variant type: single nucleotide variant.
Coding change: c.304A>T on transcript NM_014795.4 (MANE Select); coding-DNA position 304, A replaced by T.
Protein change: p.Ile102Phe; replaces isoleucine 102 with phenylalanine.
Molecular consequence: missense variant.
Genome position (GRCh38, 1-based): chr2:144,429,796, T>A on the plus strand (A>T on the coding strand, the complement: ZEB2 is on the minus strand). VCF-style: chr2-144429796-T-A. GRCh37 (hg19) VCF-style: chr2-145187363-T-A.
Other names: p.I102F:ATT>TTT; c.304A>T, p.Ile102Phe (NM_001171653.2); short protein forms I102F.
Identifiers: ClinVar variation 181724 (VCV000181724.63), dbSNP rs201109457, ClinGen allele CA199194.

ClinVar aggregate classification (germline): Benign/Likely benign. Review status: criteria provided, multiple submitters, no conflicts (2 of 4 stars). 10 submissions from 10 submitters: Benign (1); Likely benign (7). 2 of the submissions do not count toward it. Last evaluated 2026-01-19.

Conditions:
Inborn genetic diseases. Identifiers: MedGen C0950123, MeSH D030342.
Mowat-Wilson syndrome (MOWS). Also called: Classic Mowat-Wilson Syndrome. Identifiers: Orphanet 2152, MedGen C1856113, MONDO:0009341, OMIM 235730.

Allele frequency attached by ClinVar (database versions not stated): gnomAD 0.00022 and 0.00020; gnomAD exomes 0.00028 and 0.00035; ExAC 0.00034; TOPMed 0.00014.
gnomAD v4.1: 533 of 1,613,696 alleles (0.033%); highest among the groups gnomAD compares: Non-Finnish European, 0.042%; no homozygotes.

Submissions (10):

Labcorp Genetics (formerly Invitae), Labcorp
Classification: Benign for Mowat-Wilson syndrome. Last evaluated: 2026-01-19. Review status: criteria provided, single submitter. Criteria: Invitae Variant Classification Sherloc (09022015). Collection method: clinical testing. Allele origin: germline.

Blueprint Genetics
Classification: Likely benign. Last evaluated: 2024-07-24. Review status: criteria provided, single submitter. Criteria: ACMG Guidelines, 2015. Collection method: clinical testing. Allele origin: germline.

CeGaT Center for Human Genetics Tuebingen
Classification: Likely benign. Last evaluated: 2023-09-01. Review status: criteria provided, single submitter. Criteria: CeGaT Center For Human Genetics Tuebingen Variant Classification Criteria Version 2. Collection method: clinical testing. Allele origin: germline. Affected: yes. Observed: 2 variant alleles.
Comment: ZEB2: PP2, BS2

Genome-Nilou Lab
Classification: Likely benign for Mowat-Wilson syndrome. Last evaluated: 2021-11-07. Review status: criteria provided, single submitter. Criteria: ACMG Guidelines, 2015. Collection method: clinical testing. Allele origin: germline. Affected: no.

Ambry Genetics
Classification: Likely benign for Inborn genetic diseases. Last evaluated: 2018-03-29. Review status: criteria provided, single submitter. Criteria: Ambry Variant Classification Scheme 2023. Collection method: clinical testing. Allele origin: germline.

GeneDx
Classification: Likely benign. Last evaluated: 2017-12-05. Review status: criteria provided, single submitter. Criteria: GeneDx Variant Classification (06012015). Collection method: clinical testing. Allele origin: germline. Affected: yes.
Comment: This variant is considered likely benign or benign based on one or more of the following criteria: it is a conservative change, it occurs at a poorly conserved position in the protein, it is predicted to be benign by multiple in silico algorithms, and/or has population frequency not consistent with disease.

Eurofins Ntd Llc (ga)
Classification: Likely benign. Last evaluated: 2017-06-29. Review status: criteria provided, single submitter. Criteria: EGL Classification Definitions 2015. Collection method: clinical testing. Allele origin: germline. Observed: 1 variant allele, 1 heterozygote.

Molecular Genetics Laboratory, Children's Mercy Hospital and Clinics
Classification: Likely benign. Last evaluated: 2015-03-02. Review status: criteria provided, single submitter. Criteria: ACMG Guidelines, 2015. Collection method: clinical testing. Allele origin: paternal. Affected: no. Observed: 2 variant alleles.
Comment: This variant was interpreted as likely benign based on ACMG evidence categories BS2 BP1 BP6.

Clinical Genetics DNA and cytogenetics Diagnostics Lab, Erasmus MC, Erasmus Medical Center
Classification: Likely benign. Review status: no assertion criteria provided. Collection method: clinical testing. Allele origin: germline. Affected: yes. Study: VKGL Data-share Consensus. Not counted in ClinVar's aggregate classification.

Genome Diagnostics Laboratory, University Medical Center Utrecht
Classification: Likely benign. Review status: no assertion criteria provided. Collection method: clinical testing. Allele origin: germline. Affected: yes. Study: VKGL Data-share Consensus. Not counted in ClinVar's aggregate classification.